The following is an entry in ClinVar:

NM_024675.4(PALB2):c.3433G>C (p.Gly1145Arg)

Gene: PALB2 (partner and localizer of BRCA2; minus strand). Cytogenetic location: 16p12.2.
Variant type: single nucleotide variant.
Coding change: c.3433G>C on transcript NM_024675.4 (MANE Select); coding-DNA position 3433, G replaced by C.
Protein change: p.Gly1145Arg; replaces glycine 1145 with arginine.
Molecular consequence: missense variant.
Genome position (GRCh38, 1-based): chr16:23,603,587, C>G on the plus strand (G>C on the coding strand, the complement: PALB2 is on the minus strand). VCF-style: chr16-23603587-C-G. GRCh37 (hg19) VCF-style: chr16-23614908-C-G.
Other names: short protein forms G1145R.
Identifiers: ClinVar variation 126742 (VCV000126742.16), dbSNP rs180177137, ClinGen allele CA269622.

ClinVar aggregate classification (germline): Uncertain significance. Review status: criteria provided, multiple submitters, no conflicts (2 of 4 stars). 5 submissions from 5 submitters: Uncertain significance (4). 1 of the submissions does not count toward it. Last evaluated 2024-11-14.

Conditions:
Familial cancer of breast. Also called: hereditary breast carcinoma; Hereditary breast cancer; BREAST CANCER, FAMILIAL. Identifiers: Orphanet 227535, MedGen C0346153, MONDO:0016419, OMIM 114480. Disease mechanism: loss of function.
Hereditary cancer-predisposing syndrome. Also called: Tumor predisposition; Hereditary neoplastic syndrome; Neoplastic Syndromes, Hereditary; Hereditary Cancer Syndrome. Identifiers: Orphanet 140162, MedGen C0027672, MeSH D009386, MONDO:0015356.

gnomAD v4.1: 7 of 1,613,988 alleles (0.00043%); highest among the groups gnomAD compares: Non-Finnish European, 0.00051%; no homozygotes.

Submissions (5):

Blueprint Genetics
Classification: Uncertain significance. Last evaluated: 2024-11-14. Review status: criteria provided, single submitter. Criteria: ACMG Guidelines, 2015. Collection method: clinical testing. Allele origin: germline.

Ambry Genetics
Classification: Uncertain significance for Hereditary cancer-predisposing syndrome. Last evaluated: 2024-10-10. Review status: criteria provided, single submitter. Criteria: Ambry Variant Classification Scheme 2023. Collection method: clinical testing. Allele origin: germline.
Comment: The p.G1145R variant (also known as c.3433G>C), located in coding exon 13 of the PALB2 gene, results from a G to C substitution at nucleotide position 3433. The glycine at codon 1145 is replaced by arginine, an amino acid with dissimilar properties. This variant was detected in a cohort of 1905 Argentinian patients meeting criteria for hereditary breast-ovarian cancer testing (Gonzalez A et al. Breast Cancer Res Treat, 2022 Jul;194:403-412). This alteration has been reported in 1/113 BRCA1/BRCA2 mutation-negative breast or breast/ovarian cancer families from northern Finland (Erkko H et al. Nature, 2007 Mar;446:316-9). This alteration was found to be functional in a homology-directed DNA repair (HDR) assay (Wiltshire T et al. Genet. Med., 2019 Oct). This amino acid position is highly conserved in available vertebrate species. In addition, the in silico prediction for this alteration is inconclusive. Based on the available evidence, the clinical significance of this variant remains unclear.

Labcorp Genetics (formerly Invitae), Labcorp
Classification: Uncertain significance for Familial cancer of breast. Last evaluated: 2024-08-31. Review status: criteria provided, single submitter. Criteria: Invitae Variant Classification Sherloc (09022015). Collection method: clinical testing. Allele origin: germline.
Comment: This sequence change replaces glycine, which is neutral and non-polar, with arginine, which is basic and polar, at codon 1145 of the PALB2 protein (p.Gly1145Arg). This variant is not present in population databases (gnomAD no frequency). This missense change has been observed in individual(s) with breast cancer (PMID: 17287723, 35610400). ClinVar contains an entry for this variant (Variation ID: 126742). An algorithm developed to predict the effect of missense changes on protein structure and function (PolyPhen-2) suggests that this variant is likely to be disruptive. Experimental studies have shown that this missense change does not substantially affect PALB2 function (PMID: 17287723, 31636395). In summary, the available evidence is currently insufficient to determine the role of this variant in disease. Therefore, it has been classified as a Variant of Uncertain Significance.

Color Diagnostics, LLC DBA Color Health
Classification: Uncertain significance for Hereditary cancer-predisposing syndrome. Last evaluated: 2024-05-13. Review status: criteria provided, single submitter. Criteria: ACMG Guidelines, 2015. Collection method: clinical testing. Allele origin: germline.
Comment: This missense variant replaces glycine with arginine at codon 1145 of the PALB2 protein. Computational prediction suggests that this variant may not impact protein structure and function (internally defined REVEL score threshold <= 0.5, PMID: 27666373). Functional studies have reported that this variant does not impact PALB2 function in homology-directed DNA repair assays and in a MMC sensitivity and a BRCA2 co-immunoprecipitation assay (PMID: 17287723, 33195396). This variant has not been reported in two individuals affected with breast and/or ovarian cancer (PMID: 17287723, 35610400). This variant has not been identified in the general population by the Genome Aggregation Database (gnomAD). The available evidence is insufficient to determine the role of this variant in disease conclusively. Therefore, this variant is classified as a Variant of Uncertain Significance.

Leiden Open Variation Database
Classification: Uncertain significance for Familial cancer of breast. Last evaluated: 2019-05-13. Review status: no assertion criteria provided. Collection method: curation. Allele origin: germline. Affected: yes. Not counted in ClinVar's aggregate classification.
Comment: Curators: Marc Tischkowitz, Arleen D. Auerbach. Submitter to LOVD: Marc Tischkowitz.

Literature cited by the submitters: PubMed 17287723 (cited by 4 submitters); PubMed 31636395 (cited by Ambry Genetics and Labcorp Genetics (formerly Invitae), Labcorp); PubMed 35610400 (cited by 3 submitters); PubMed 33195396 (cited by Color Diagnostics, LLC DBA Color Health).